The following is an entry in ClinVar:

ClinVar aggregate classification (germline): Uncertain significance. Review status: criteria provided, multiple submitters, no conflicts (2 of 4 stars). 2 submissions from 2 submitters: Uncertain significance (2). Last evaluated 2025-05-21.

Allele frequency attached by ClinVar (database versions not stated): gnomAD exomes 0.00001.
gnomAD v4.1: 9 of 1,613,686 alleles (0.00056%); highest among the groups gnomAD compares: Admixed American, 0.01%; no homozygotes.

Submissions (2):

Ambry Genetics
Classification: Uncertain significance. Last evaluated: 2025-05-21. Review status: criteria provided, single submitter. Criteria: Ambry Variant Classification Scheme 2023. Collection method: clinical testing. Allele origin: germline.

Labcorp Genetics (formerly Invitae), Labcorp
Classification: Uncertain significance. Last evaluated: 2024-01-11. Review status: criteria provided, single submitter. Criteria: Invitae Variant Classification Sherloc (09022015). Collection method: clinical testing. Allele origin: germline.
Comment: This sequence change replaces valine, which is neutral and non-polar, with alanine, which is neutral and non-polar, at codon 38 of the P2RY12 protein (p.Val38Ala). This variant is present in population databases (no rsID available, gnomAD 0.01%). This variant has not been reported in the literature in individuals affected with P2RY12-related conditions. Algorithms developed to predict the effect of missense changes on protein structure and function output the following: SIFT: "Not Available"; PolyPhen-2: "Benign"; Align-GVGD: "Not Available". The alanine amino acid residue is found in multiple mammalian species, which suggests that this missense change does not adversely affect protein function. In summary, the available evidence is currently insufficient to determine the role of this variant in disease. Therefore, it has been classified as a Variant of Uncertain Significance.

NM_022788.5(P2RY12):c.113T>C (p.Val38Ala)

Genes: MED12L (mediator complex subunit 12L; plus strand), P2RY12 (purinergic receptor P2Y12; minus strand). Cytogenetic location: 3q25.1.
Variant type: single nucleotide variant.
Coding change: c.113T>C on transcript NM_022788.5 (MANE Select); coding-DNA position 113, T replaced by C.
Protein change: p.Val38Ala; replaces valine 38 with alanine.
Molecular consequence: missense variant. On other transcripts: intron variant (2).
Genome position (GRCh38, 1-based): chr3:151,338,733, A>G on the plus strand (T>C on the coding strand, the complement: P2RY12 is on the minus strand). VCF-style: chr3-151338733-A-G. GRCh37 (hg19) VCF-style: chr3-151056521-A-G.
Other names: c.113T>C (NM_022788.3); c.113T>C, p.Val38Ala (NM_176876.3); c.2251-11326A>G (NM_001393769.1); c.2146-11326A>G (NM_053002.6); short protein forms V38A.
Identifiers: ClinVar variation 2786832 (VCV002786832.4), dbSNP rs1392841396, ClinGen allele CA354983725.